The following is an entry in ClinVar:

ClinVar aggregate classification (germline): Conflicting classifications of pathogenicity. Review status: criteria provided, conflicting classifications (1 of 4 stars). 4 submissions from 4 submitters: Uncertain significance (1); Benign (2). 1 of the submissions does not count toward it. Last evaluated 2024-04-29.

Conditions:
DNAH17-related disorder. Also called: DNAH17-related condition.
Inborn genetic diseases. Identifiers: MedGen C0950123, MeSH D030342.

Allele frequency attached by ClinVar (database versions not stated): 1000 Genomes Project 0.00060; 1000 Genomes Project 30x 0.00062; gnomAD 0.00206 and 0.00227; TOPMed 0.00222; ESP Exome Variant Server 0.00261.
gnomAD v4.1: 702 of 1,613,946 alleles (0.043%); highest among the groups gnomAD compares: African/African-American, 0.72%; 3 homozygotes.

Submissions (4):

Ambry Genetics
Classification: Uncertain significance for Inborn genetic diseases. Last evaluated: 2024-04-29. Review status: criteria provided, single submitter. Criteria: Ambry Variant Classification Scheme 2023. Collection method: clinical testing. Allele origin: germline.

Labcorp Genetics (formerly Invitae), Labcorp
Classification: Benign. Last evaluated: 2019-12-31. Review status: criteria provided, single submitter. Criteria: Invitae Variant Classification Sherloc (09022015). Collection method: clinical testing. Allele origin: germline.

Breakthrough Genomics
Classification: Benign. Review status: criteria provided, single submitter. Criteria: ACMG Guidelines, 2015. Collection method: not provided. Allele origin: germline. Inheritance: Autosomal recessive inheritance. Affected: yes.

PreventionGenetics, part of Exact Sciences
Classification: Benign for DNAH17-related condition. Last evaluated: 2019-09-10. Review status: no assertion criteria provided. Collection method: clinical testing. Allele origin: germline. Not counted in ClinVar's aggregate classification.
Comment: This variant is classified as benign based on ACMG/AMP sequence variant interpretation guidelines (Richards et al. 2015 PMID: 25741868, with internal and published modifications).

NM_173628.4(DNAH17):c.8728C>T (p.Arg2910Trp)

Gene: DNAH17 (dynein axonemal heavy chain 17; minus strand). Cytogenetic location: 17q25.3.
Variant type: single nucleotide variant.
Coding change: c.8728C>T on transcript NM_173628.4 (MANE Select); coding-DNA position 8728, C replaced by T.
Protein change: p.Arg2910Trp; replaces arginine 2910 with tryptophan.
Molecular consequence: missense variant.
Genome position (GRCh38, 1-based): chr17:78,468,667, G>A on the plus strand (C>T on the coding strand, the complement: DNAH17 is on the minus strand). VCF-style: chr17-78468667-G-A. GRCh37 (hg19) VCF-style: chr17-76464749-G-A.
Other names: short protein forms R2910W.
Identifiers: ClinVar variation 710120 (VCV000710120.11), dbSNP rs202169863, ClinGen allele CA8801687.